The following is an entry in ClinVar:

NM_001394062.1(MACF1):c.15368A>G (p.Gln5123Arg)

Gene: MACF1 (microtubule actin crosslinking factor 1; plus strand). Cytogenetic location: 1p34.3.
Variant type: single nucleotide variant.
Coding change: c.15368A>G on transcript NM_001394062.1 (MANE Select); coding-DNA position 15368, A replaced by G.
Protein change: p.Gln5123Arg; replaces glutamine 5123 with arginine.
Molecular consequence: missense variant.
Genome position (GRCh38, 1-based): chr1:39,388,210, A>G. VCF-style: chr1-39388210-A-G. GRCh37 (hg19) VCF-style: chr1-39853882-A-G.
Other names: c.9182A>G, p.Gln3061Arg (NM_012090.5); short protein forms Q3061R, Q5123R.
Identifiers: ClinVar variation 1918664 (VCV001918664.6), dbSNP rs961419410, ClinGen allele CA20913685.
Genomic context (GRCh38, chr1:39,388,210, plus strand): 5'-TTAAGCAAAGAGTGAACAGTGGTTGTGTGATGATGGAAAACAAGCTGGAGGGGATTGGCC[A>G]GTTTCACTGCCGGGTCCGAGAGATGTTCTCTCAATTGGCAGACCTGGATGATGAGCTAGA-3'
Protein context (NP_001380991.1, residues 5113-5133): MMENKLEGIG[Gln5123Arg]FHCRVREMFS

ClinVar aggregate classification (germline): Uncertain significance. Review status: criteria provided, multiple submitters, no conflicts (2 of 4 stars). 2 submissions from 2 submitters: Uncertain significance (2). Last evaluated 2023-08-07.

Allele frequency attached by ClinVar (database versions not stated): gnomAD exomes below 0.00001; gnomAD 0.00001; TOPMed 0.00005.
gnomAD v4.1: 7 of 1,614,050 alleles (0.00043%); highest among the groups gnomAD compares: African/African-American, 0.008%; no homozygotes.

Submissions (2):

GeneDx
Classification: Uncertain significance. Last evaluated: 2023-08-07. Review status: criteria provided, single submitter. Criteria: GeneDx Variant Classification Process June 2021. Collection method: clinical testing. Allele origin: germline. Affected: yes.
Comment: In silico analysis supports that this missense variant does not alter protein structure/function; Has not been previously published as pathogenic or benign to our knowledge

Labcorp Genetics (formerly Invitae), Labcorp
Classification: Uncertain significance. Last evaluated: 2022-06-28. Review status: criteria provided, single submitter. Criteria: Invitae Variant Classification Sherloc (09022015). Collection method: clinical testing. Allele origin: germline.
Comment: In summary, the available evidence is currently insufficient to determine the role of this variant in disease. Therefore, it has been classified as a Variant of Uncertain Significance. Algorithms developed to predict the effect of missense changes on protein structure and function are either unavailable or do not agree on the potential impact of this missense change (SIFT: "Deleterious"; PolyPhen-2: "Possibly Damaging"; Align-GVGD: "Class C0"). This sequence change replaces glutamine, which is neutral and polar, with arginine, which is basic and polar, at codon 3061 of the MACF1 protein (p.Gln3061Arg). This variant is present in population databases (no rsID available, gnomAD 0.008%). This variant has not been reported in the literature in individuals affected with MACF1-related conditions.